The following is an entry in ClinVar:

NM_015214.3(DDHD2):c.1744A>T (p.Met582Leu)

Gene: DDHD2 (DDHD domain containing 2; plus strand). Cytogenetic location: 8p11.23.
Variant type: single nucleotide variant.
Coding change: c.1744A>T on transcript NM_015214.3 (MANE Select); coding-DNA position 1744, A replaced by T.
Protein change: p.Met582Leu; replaces methionine 582 with leucine.
Molecular consequence: missense variant. On other transcripts: non-coding transcript variant (2).
Genome position (GRCh38, 1-based): chr8:38,252,980, A>T. VCF-style: chr8-38252980-A-T. GRCh37 (hg19) VCF-style: chr8-38110498-A-T.
Other names: c.1744A>T, p.Met582Leu (NM_001164232.2, NM_001362911.2, NM_001362912.2 and 1 more transcripts); c.1654A>T, p.Met552Leu (NM_001362913.2); short protein forms M582L, M552L.
Identifiers: ClinVar variation 434908 (VCV000434908.15), dbSNP rs375064450, ClinGen allele CA4716361.

ClinVar aggregate classification (germline): Uncertain significance. Review status: criteria provided, multiple submitters, no conflicts (2 of 4 stars). 4 submissions from 4 submitters: Uncertain significance (4). Last evaluated 2025-06-18.

Conditions:
Inborn genetic diseases. Identifiers: MedGen C0950123, MeSH D030342.
Hereditary spastic paraplegia 54. Also called: Spastic paraplegia 54, autosomal recessive. Identifiers: Orphanet 320380, MedGen C3539495, MONDO:0014018, OMIM 615033.

Allele frequency attached by ClinVar (database versions not stated): gnomAD exomes 0.00006 and 0.00009; ExAC 0.00007; ESP Exome Variant Server 0.00008; TOPMed 0.00008; gnomAD 0.00009.
gnomAD v4.1: 142 of 1,614,048 alleles (0.0088%); highest among the groups gnomAD compares: Non-Finnish European, 0.012%; 1 homozygote.

Submissions (4):

Ambry Genetics
Classification: Uncertain significance for Inborn genetic diseases. Last evaluated: 2025-06-18. Review status: criteria provided, single submitter. Criteria: Ambry Variant Classification Scheme 2023. Collection method: clinical testing. Allele origin: germline.

Blueprint Genetics
Classification: Uncertain significance. Last evaluated: 2024-02-26. Review status: criteria provided, single submitter. Criteria: ACMG Guidelines, 2015. Collection method: clinical testing. Allele origin: germline.

Labcorp Genetics (formerly Invitae), Labcorp
Classification: Uncertain significance for Hereditary spastic paraplegia 54. Last evaluated: 2022-03-18. Review status: criteria provided, single submitter. Criteria: Invitae Variant Classification Sherloc (09022015). Collection method: clinical testing. Allele origin: germline.
Comment: In summary, the available evidence is currently insufficient to determine the role of this variant in disease. Therefore, it has been classified as a Variant of Uncertain Significance. Algorithms developed to predict the effect of missense changes on protein structure and function are either unavailable or do not agree on the potential impact of this missense change (SIFT: "Tolerated"; PolyPhen-2: "Possibly Damaging"; Align-GVGD: "Class C0"). ClinVar contains an entry for this variant (Variation ID: 434908). This variant has not been reported in the literature in individuals affected with DDHD2-related conditions. This variant is present in population databases (rs375064450, gnomAD 0.01%). This sequence change replaces methionine, which is neutral and non-polar, with leucine, which is neutral and non-polar, at codon 582 of the DDHD2 protein (p.Met582Leu). Algorithms developed to predict the effect of sequence changes on RNA splicing suggest that this variant may create or strengthen a splice site.

Genetic Services Laboratory, University of Chicago
Classification: Uncertain significance. Last evaluated: 2016-09-13. Review status: criteria provided, single submitter. Criteria: ACMG Guidelines, 2015. Collection method: clinical testing. Allele origin: germline. Affected: no.